The following is an entry in ClinVar:

NM_005263.5(GFI1):c.370T>A (p.Trp124Arg)

Gene: GFI1 (growth factor independent 1 transcriptional repressor; minus strand). Cytogenetic location: 1p22.1.
Variant type: single nucleotide variant.
Coding change: c.370T>A on transcript NM_005263.5 (MANE Select); coding-DNA position 370, T replaced by A.
Protein change: p.Trp124Arg; replaces tryptophan 124 with arginine.
Molecular consequence: missense variant.
Genome position (GRCh38, 1-based): chr1:92,481,017, A>T on the plus strand (T>A on the coding strand, the complement: GFI1 is on the minus strand). VCF-style: chr1-92481017-A-T. GRCh37 (hg19) VCF-style: chr1-92946574-A-T.
Other names: c.370T>A, p.Trp124Arg (NM_001127215.3, NM_001127216.3); short protein forms W124R.
Identifiers: ClinVar variation 3853742 (VCV003853742.1).

ClinVar aggregate classification (germline): Uncertain significance (1 of 4 stars; one submission).

Submission:

Ambry Genetics
Classification: Uncertain significance. Last evaluated: 2025-03-08. Review status: criteria provided, single submitter. Criteria: Ambry Variant Classification Scheme 2023. Collection method: clinical testing. Allele origin: germline.
Comment: The p.W124R variant (also known as c.370T>A), located in coding exon 3 of the GFI1 gene, results from a T to A substitution at nucleotide position 370. The tryptophan at codon 124 is replaced by arginine, an amino acid with dissimilar properties. This amino acid position is conserved. In addition, the in silico prediction for this alteration is inconclusive. Based on the available evidence, the clinical significance of this variant remains unclear.